The following is an entry in ClinVar:

NM_002439.5(MSH3):c.1148A>C (p.Lys383Thr)

Gene: MSH3 (mutS homolog 3; plus strand). Cytogenetic location: 5q14.1.
Variant type: single nucleotide variant.
Coding change: c.1148A>C on transcript NM_002439.5 (MANE Select); coding-DNA position 1148, A replaced by C.
Protein change: p.Lys383Thr; replaces lysine 383 with threonine.
Molecular consequence: missense variant.
Genome position (GRCh38, 1-based): chr5:80,675,103, A>C. VCF-style: chr5-80675103-A-C. GRCh37 (hg19) VCF-style: chr5-79970922-A-C.
Other names: short protein forms K383T.
Identifiers: ClinVar variation 2810490 (VCV002810490.4), dbSNP rs71539687, ClinGen allele CA360268287.

ClinVar aggregate classification (germline): Uncertain significance. Review status: criteria provided, multiple submitters, no conflicts (2 of 4 stars). 2 submissions from 2 submitters: Uncertain significance (2). Last evaluated 2024-04-24.

Conditions:
Endometrial carcinoma. Also called: Endometrial carcinoma, somatic. Identifiers: MedGen C0476089, MONDO:0002447, OMIM 608089, HP:0012114.

Submissions (2):

Labcorp Genetics (formerly Invitae), Labcorp
Classification: Uncertain significance. Last evaluated: 2024-04-24. Review status: criteria provided, single submitter. Criteria: Invitae Variant Classification Sherloc (09022015). Collection method: clinical testing. Allele origin: germline.
Comment: This sequence change replaces lysine, which is basic and polar, with threonine, which is neutral and polar, at codon 383 of the MSH3 protein (p.Lys383Thr). This variant is not present in population databases (gnomAD no frequency). This variant has not been reported in the literature in individuals affected with MSH3-related conditions. An algorithm developed to predict the effect of missense changes on protein structure and function (PolyPhen-2) suggests that this variant is likely to be tolerated. In summary, the available evidence is currently insufficient to determine the role of this variant in disease. Therefore, it has been classified as a Variant of Uncertain Significance.

Baylor Genetics
Classification: Uncertain significance for Endometrial carcinoma. Last evaluated: 2024-02-23. Review status: criteria provided, single submitter. Criteria: ACMG Guidelines, 2015. Collection method: clinical testing. Allele origin: unknown.